The following is an entry in ClinVar:

ClinVar aggregate classification (germline): Likely benign. Review status: criteria provided, multiple submitters, no conflicts (2 of 4 stars). 2 submissions from 2 submitters: Likely benign (2). Last evaluated 2024-08-24.

Conditions:
Multiple endocrine neoplasia, type 2 (MEN2). Identifiers: Orphanet 653, MedGen C4048306, MONDO:0019003. Disease mechanism: gain of function.

gnomAD v4.1: 4 of 1,613,504 alleles (0.00025%); highest among the groups gnomAD compares: Non-Finnish European, 0.00025%; no homozygotes.

Submissions (2):

Labcorp Genetics (formerly Invitae), Labcorp
Classification: Likely benign for Multiple endocrine neoplasia, type 2. Last evaluated: 2024-08-24. Review status: criteria provided, single submitter. Criteria: Invitae Variant Classification Sherloc (09022015). Collection method: clinical testing. Allele origin: germline.

All of Us Research Program, National Institutes of Health
Classification: Likely benign for Multiple endocrine neoplasia, type 2. Last evaluated: 2023-01-10. Review status: criteria provided, single submitter. Criteria: ACMG Guidelines, 2015. Collection method: clinical testing. Allele origin: germline. Inheritance: Autosomal dominant inheritance. Observed: 1 variant allele, 1 heterozygote.
Comment: This study involves interpretation of variants in research participants for the purpose of population health screening. Participant phenotype was not available at the time of variant classification. Additional details can be found in publication PMID: 35346344, PMCID: PMC8962531

NM_020975.6(RET):c.1264-12G>A

Gene: RET (ret proto-oncogene; plus strand). Cytogenetic location: 10q11.21.
Variant type: single nucleotide variant.
Coding change: c.1264-12G>A on transcript NM_020975.6 (MANE Select); 12 bases into the intron before coding-DNA position 1264, G replaced by A.
Molecular consequence: intron variant.
Genome position (GRCh38, 1-based): chr10:43,111,195, G>A. VCF-style: chr10-43111195-G-A. GRCh37 (hg19) VCF-style: chr10-43606643-G-A.
Other names: c.1264-12G>A (NM_020630.7, NM_001406743.1, NM_001406744.1 and 4 more transcripts); c.868-12G>A (NM_001406772.1, NM_001406769.1); c.826-12G>A (NM_001406773.1, NM_001406771.1); c.626-904G>A (NM_001406782.1, NM_001406780.1, NM_001406779.1 and 3 more transcripts); c.1135-12G>A (NM_001406764.1, NM_001406762.1, NM_001406761.1 and 1 more transcripts); c.739-12G>A (NM_001406774.1); c.497-904G>A (NM_001406786.1, NM_001406783.1); c.976-12G>A (NM_001406770.1, NM_001406766.1, NM_001406767.1); and 5 more.
Identifiers: ClinVar variation 1569856 (VCV001569856.10), dbSNP rs370613696, ClinGen allele CA2573145049.